The following is an entry in ClinVar:

ClinVar aggregate classification (germline): Likely pathogenic (1 of 4 stars; one submission).

Conditions:
CLCN5-related disorder. Also called: CLCN5-related condition.

Submission:

PreventionGenetics, part of Exact Sciences
Classification: Likely pathogenic for CLCN5-related condition. Last evaluated: 2026-09-25. Review status: criteria provided, single submitter. Criteria: ACMG Guidelines, 2015. Collection method: clinical testing. Allele origin: germline.
Comment: The CLCN5 c.1699delT variant is predicted to result in a frameshift and premature protein termination (p.Tyr567Thrfs*19). To our knowledge, this variant has not been reported in the literature or in a large population database (gnomAD), indicating this variant is rare. Frameshift variants in CLCN5 are expected to be pathogenic. This variant is interpreted as likely pathogenic.

NM_001127898.4(CLCN5):c.1909del (p.Tyr637fs)

Genes: CLCN5 (Cl-/H+ antiporter 5; plus strand), LOC126863258 (BRD4-independent group 4 enhancer GRCh37_chrX:49854497-49855696; plus strand). Cytogenetic location: Xp11.23.
Variant type: Deletion.
Coding change: c.1909del on transcript NM_001127898.4 (MANE Select); coding-DNA position 1909, one base deleted (T; older notation c.1909delT).
Protein change: p.Tyr637fs; shifts the reading frame from tyrosine 637.
Molecular consequence: frameshift variant. On other transcripts: non-coding transcript variant (1).
Genome position (GRCh38, 1-based): chrX:50,090,280, T deleted. VCF-style (leftmost placement, unchanged base first): chrX-50090279-AT-A. GRCh37 (hg19) VCF-style: chrX-49854936-AT-A.
Other names: c.1699del, p.Tyr567fs (NM_000084.5); c.1909del, p.Tyr637fs (NM_001127899.4); c.1759del, p.Tyr587fs (NM_001282163.2); c.1921del, p.Tyr641fs (NM_001440756.1, NM_001440757.1); short protein forms Y587fs, Y567fs, Y637fs, Y641fs.
Identifiers: ClinVar variation 4996161 (VCV004996161.1).